The following is an entry in ClinVar:

NM_001011658.4(TRAPPC2):c.262_266del (p.Asp88fs)

Genes: TRAPPC2 (trafficking protein particle complex subunit 2; minus strand), OFD1 (OFD1 centriole and centriolar satellite protein; plus strand). Cytogenetic location: Xp22.2.
Variant type: Deletion.
Coding change: c.262_266del on transcript NM_001011658.4 (MANE Select); coding-DNA positions 262 to 266, 5 bases deleted (GACAT; older notation c.262_266delGACAT).
Protein change: p.Asp88fs; shifts the reading frame from aspartic acid 88.
Molecular consequence: frameshift variant.
Genome position (GRCh38, 1-based): chrX:13,716,062-13,716,066, ATGTC deleted on the plus strand (GACAT on the coding strand, the reverse complement: TRAPPC2 is on the minus strand); deleting any 5 consecutive bases within chrX:13,716,062-13,716,069 gives the same sequence; the c. name uses the placement nearest the transcript's 3' end. VCF-style (leftmost placement, unchanged base first): chrX-13716061-TATGTC-T. GRCh37 (hg19) VCF-style: chrX-13734180-TATGTC-T.
Other names: c.364_368del, p.Asp122fs (NM_001128835.3); c.262_266del, p.Asp88fs (NM_014563.6); short protein forms D88fs, D122fs.
Identifiers: ClinVar variation 3724048 (VCV003724048.3).
Genomic context (GRCh38, chrX:13,716,061, plus strand): 5'-TACCTTTATATATAAATCATAAACATCAGTAAAGAAGTTCTTTATTCCATCTTCTTGTCT[TATGTC>T]ATGAAGCATAATAAACCTCATATGTGAAATAATTAAGGCATAATCTTTCTTAGAAATGAA-3'

ClinVar aggregate classification (germline): Pathogenic. Review status: criteria provided, multiple submitters, no conflicts (2 of 4 stars). 2 submissions from 2 submitters: Pathogenic (2). Last evaluated 2024-09-04.

Conditions:
TRAPPC2-related disorder. Also called: TRAPPC2-related condition.

Submissions (2):

Labcorp Genetics (formerly Invitae), Labcorp
Classification: Pathogenic. Last evaluated: 2024-09-04. Review status: criteria provided, single submitter. Criteria: Invitae Variant Classification Sherloc (09022015). Collection method: clinical testing. Allele origin: germline.
Comment: This sequence change creates a premature translational stop signal (p.Asp88Lysfs*12) in the TRAPPC2 gene. While this is not anticipated to result in nonsense mediated decay, it is expected to disrupt the last 53 amino acid(s) of the TRAPPC2 protein. This variant is not present in population databases (gnomAD no frequency). This premature translational stop signal has been observed in individual(s) with spondyloepiphyseal dysplasia tarda (PMID: 11349230). This variant disrupts a region of the TRAPPC2 protein in which other variant(s) (p.Ser124Lysfs*4) have been determined to be pathogenic (PMID: 19766614). This suggests that this is a clinically significant region of the protein, and that variants that disrupt it are likely to be disease-causing. For these reasons, this variant has been classified as Pathogenic.

Blueprint Genetics
Classification: Pathogenic for TRAPPC2-related disorders. Last evaluated: 2021-04-14. Review status: criteria provided, single submitter. Criteria: ACMG Guidelines, 2015. Collection method: clinical testing. Allele origin: germline. Affected: yes. Observed: 1 variant allele.

Literature cited by the submitters: PubMed 11349230 (cited by Labcorp Genetics (formerly Invitae), Labcorp); PubMed 19766614 (cited by Labcorp Genetics (formerly Invitae), Labcorp).